The following is an entry in ClinVar:

NM_001297.5(CNGB1):c.327C>T (p.Gly109=)

Gene: CNGB1 (cyclic nucleotide gated channel subunit beta 1; minus strand). Cytogenetic location: 16q21.
Variant type: single nucleotide variant.
Coding change: c.327C>T on transcript NM_001297.5 (MANE Select); coding-DNA position 327, C replaced by T.
Protein change: p.Gly109=; no amino-acid change (glycine 109 retained).
Molecular consequence: synonymous variant.
Genome position (GRCh38, 1-based): chr16:57,963,028, G>A on the plus strand (C>T on the coding strand, the complement: CNGB1 is on the minus strand). VCF-style: chr16-57963028-G-A. GRCh37 (hg19) VCF-style: chr16-57996932-G-A.
Other names: c.327C>T, p.Gly109= (NM_001135639.2, NM_001286130.2).
Identifiers: ClinVar variation 320109 (VCV000320109.33), dbSNP rs17821448, ClinGen allele CA8083888.

ClinVar aggregate classification (germline): Benign. Review status: criteria provided, multiple submitters, no conflicts (2 of 4 stars). 9 submissions from 9 submitters: Benign (7). 2 of the submissions do not count toward it. Last evaluated 2026-02-04.

Conditions:
Retinal dystrophy. Also called: Inherited retinal dystrophy. Identifiers: Orphanet 71862, MedGen C0854723, MeSH D058499, MONDO:0019118, HP:0000556.
Retinitis pigmentosa 45 (RP45). Identifiers: Orphanet 791, MedGen C3151066, MONDO:0013413, OMIM 613767.
Retinitis pigmentosa (RP). Identifiers: Orphanet 791, MedGen C0035334, MeSH D012174, MONDO:0019200, OMIM 268000. Inheritance: Autosomal dominant, autosomal recessive and X linked inheritance.

Allele frequency attached by ClinVar (database versions not stated): 1000 Genomes Project 30x 0.30418; 1000 Genomes Project 0.31410; TOPMed 0.34455; gnomAD 0.36508 and 0.36916; ESP Exome Variant Server 0.36627; ExAC 0.43042; gnomAD exomes 0.43059 and 0.47191.
gnomAD v4.1: 743,665 of 1,611,342 alleles (46%); highest among the groups gnomAD compares: Non-Finnish European, 49%; 178,643 homozygotes.

Submissions (9):

Labcorp Genetics (formerly Invitae), Labcorp
Classification: Benign. Last evaluated: 2026-02-04. Review status: criteria provided, single submitter. Criteria: Invitae Variant Classification Sherloc (09022015). Collection method: clinical testing. Allele origin: germline.

Blueprint Genetics
Classification: Benign. Last evaluated: 2024-11-28. Review status: criteria provided, single submitter. Criteria: ACMG Guidelines, 2015. Collection method: clinical testing. Allele origin: germline.

ARUP Laboratories, Molecular Genetics and Genomics, ARUP Laboratories
Classification: Benign for Retinitis pigmentosa 45. Last evaluated: 2023-11-29. Review status: criteria provided, single submitter. Criteria: ARUP Molecular Germline Variant Investigation Process 2024. Collection method: clinical testing. Allele origin: germline.

Dept Of Ophthalmology, Nagoya University
Classification: Benign for Retinal dystrophy. Last evaluated: 2023-10-01. Review status: criteria provided, single submitter. Criteria: Submitter's publication. Collection method: research. Allele origin: germline. Affected: yes.

Genome-Nilou Lab
Classification: Benign for Retinitis pigmentosa 45. Last evaluated: 2021-07-22. Review status: criteria provided, single submitter. Criteria: ACMG Guidelines, 2015. Collection method: clinical testing. Allele origin: germline. Affected: no.

Illumina Laboratory Services, Illumina
Classification: Benign for Retinitis pigmentosa. Last evaluated: 2018-01-12. Review status: criteria provided, single submitter. Criteria: ICSL Variant Classification Criteria 13 December 2019. Collection method: clinical testing. Allele origin: germline.
Comment: This variant was observed in the ICSL laboratory as part of a predisposition screen in an ostensibly healthy population. It had not been previously curated by ICSL or reported in the Human Gene Mutation Database (HGMD: prior to June 1st, 2018), and was therefore a candidate for classification through an automated scoring system. Utilizing variant allele frequency, disease prevalence and penetrance estimates, and inheritance mode, an automated score was calculated to assess if this variant is too frequent to cause the disease. Based on the score and internal cut-off values, a variant classified as benign is not then subjected to further curation. The score for this variant resulted in a classification of benign for this disease.

Breakthrough Genomics
Classification: Benign. Review status: criteria provided, single submitter. Criteria: ACMG Guidelines, 2015. Collection method: not provided. Allele origin: germline. Inheritance: Autosomal recessive inheritance. Affected: yes.

Diagnostic Laboratory, Department of Genetics, University Medical Center Groningen
Classification: Benign. Review status: no assertion criteria provided. Collection method: clinical testing. Allele origin: germline. Affected: yes. Study: VKGL Data-share Consensus. Not counted in ClinVar's aggregate classification.

Joint Genome Diagnostic Labs from Nijmegen and Maastricht, Radboudumc and MUMC+
Classification: Benign. Review status: no assertion criteria provided. Collection method: clinical testing. Allele origin: germline. Affected: yes. Study: VKGL Data-share Consensus. Not counted in ClinVar's aggregate classification.